The following is an entry in ClinVar:

NM_004706.4(ARHGEF1):c.902G>A (p.Arg301Gln)

Gene: ARHGEF1 (Rho guanine nucleotide exchange factor 1; plus strand). Cytogenetic location: 19q13.2.
Variant type: single nucleotide variant.
Coding change: c.902G>A on transcript NM_004706.4 (MANE Select); coding-DNA position 902, G replaced by A.
Protein change: p.Arg301Gln; replaces arginine 301 with glutamine.
Molecular consequence: missense variant.
Genome position (GRCh38, 1-based): chr19:41,895,373, G>A. VCF-style: chr19-41895373-G-A. GRCh37 (hg19) VCF-style: chr19-42399446-G-A.
Other names: c.803G>A, p.Arg268Gln (NM_198977.2); c.947G>A, p.Arg316Gln (NM_199002.2); c.947G>A (NM_199002.1); short protein forms R301Q, R316Q, R268Q.
Identifiers: ClinVar variation 1463488 (VCV001463488.8), dbSNP rs200700112, ClinGen allele CA9466113.

ClinVar aggregate classification (germline): Uncertain significance. Review status: criteria provided, multiple submitters, no conflicts (2 of 4 stars). 2 submissions from 2 submitters: Uncertain significance (2). Last evaluated 2024-06-10.

Allele frequency attached by ClinVar (database versions not stated): gnomAD exomes 0.00004 and 0.00007; TOPMed 0.00005; ExAC 0.00007; gnomAD 0.00007 and 0.00008.
gnomAD v4.1: 65 of 1,611,992 alleles (0.004%); highest among the groups gnomAD compares: Admixed American, 0.01%; no homozygotes.

Submissions (2):

Labcorp Genetics (formerly Invitae), Labcorp
Classification: Uncertain significance. Last evaluated: 2024-06-10. Review status: criteria provided, single submitter. Criteria: Invitae Variant Classification Sherloc (09022015). Collection method: clinical testing. Allele origin: germline.
Comment: This sequence change replaces arginine, which is basic and polar, with glutamine, which is neutral and polar, at codon 316 of the ARHGEF1 protein (p.Arg316Gln). This variant is present in population databases (rs200700112, gnomAD 0.02%). This variant has not been reported in the literature in individuals affected with ARHGEF1-related conditions. ClinVar contains an entry for this variant (Variation ID: 1463488). An algorithm developed to predict the effect of missense changes on protein structure and function (PolyPhen-2) suggests that this variant is likely to be disruptive. In summary, the available evidence is currently insufficient to determine the role of this variant in disease. Therefore, it has been classified as a Variant of Uncertain Significance.

Ambry Genetics
Classification: Uncertain significance. Last evaluated: 2023-07-12. Review status: criteria provided, single submitter. Criteria: Ambry Variant Classification Scheme 2023. Collection method: clinical testing. Allele origin: germline.